The following is an entry in ClinVar:

NM_000038.6(APC):c.5000A>C (p.Asn1667Thr)

Gene: APC (APC regulator of Wnt signaling pathway; plus strand). Cytogenetic location: 5q22.2.
Variant type: single nucleotide variant.
Coding change: c.5000A>C on transcript NM_000038.6 (MANE Select); coding-DNA position 5000, A replaced by C.
Protein change: p.Asn1667Thr; replaces asparagine 1667 with threonine.
Molecular consequence: missense variant.
Genome position (GRCh38, 1-based): chr5:112,840,594, A>C. VCF-style: chr5-112840594-A-C. GRCh37 (hg19) VCF-style: chr5-112176291-A-C.
Other names: c.4520A>C, p.Asn1507Thr (NM_001354905.2); c.4751A>C, p.Asn1584Thr (NM_001407456.1, NM_001407457.1, NM_001407454.1 and 1 more transcripts); c.4613A>C, p.Asn1538Thr (NM_001407469.1, NM_001407467.1); c.4697A>C, p.Asn1566Thr (NM_001407459.1, NM_001407460.1, NM_001407458.1 and 1 more transcripts); c.5000A>C, p.Asn1667Thr (NM_001127510.3, NM_001354895.2, NM_001407450.1); c.4946A>C, p.Asn1649Thr (NM_001127511.3); c.5054A>C, p.Asn1685Thr (NM_001354896.2, NM_001407447.1, NM_001407448.1 and 1 more transcripts); c.5030A>C, p.Asn1677Thr (NM_001354897.2); and 11 more; short protein forms N1384T, N1507T, N1608T, N1626T, N1649T, N1667T, N1541T, N1566T.
Identifiers: ClinVar variation 1744718 (VCV001744718.2), dbSNP rs1580655118, ClinGen allele CA16032271.

ClinVar aggregate classification (germline): Uncertain significance (1 of 4 stars; one submission).

Conditions:
Hereditary cancer-predisposing syndrome. Also called: Hereditary Cancer Syndrome; Neoplastic Syndromes, Hereditary; Tumor predisposition; Hereditary neoplastic syndrome. Identifiers: Orphanet 140162, MedGen C0027672, MeSH D009386, MONDO:0015356.

Submission:

Ambry Genetics
Classification: Uncertain significance for Hereditary cancer-predisposing syndrome. Last evaluated: 2022-01-19. Review status: criteria provided, single submitter. Criteria: Ambry Variant Classification Scheme 2023. Collection method: clinical testing. Allele origin: germline.
Comment: The p.N1667T variant (also known as c.5000A>C), located in coding exon 15 of the APC gene, results from an A to C substitution at nucleotide position 5000. The asparagine at codon 1667 is replaced by threonine, an amino acid with similar properties. This amino acid position is conserved. In addition, in silico predictors for this gene do not accurately predict pathogenicity. Since supporting evidence is limited at this time, the clinical significance of this alteration remains unclear.